The following is an entry in ClinVar:

NM_004168.4(SDHA):c.1196C>T (p.Pro399Leu)

Gene: SDHA (succinate dehydrogenase complex flavoprotein subunit A; plus strand). Cytogenetic location: 5p15.33.
Variant type: single nucleotide variant.
Coding change: c.1196C>T on transcript NM_004168.4 (MANE Select); coding-DNA position 1196, C replaced by T.
Protein change: p.Pro399Leu; replaces proline 399 with leucine.
Molecular consequence: missense variant.
Genome position (GRCh38, 1-based): chr5:235,275, C>T. VCF-style: chr5-235275-C-T. GRCh37 (hg19) VCF-style: chr5-235390-C-T.
Other names: c.1052C>T, p.Pro351Leu (NM_001294332.2); c.1196C>T, p.Pro399Leu (NM_001330758.2); short protein forms P399L, P351L.
Identifiers: ClinVar variation 239638 (VCV000239638.20), dbSNP rs878854625, ClinGen allele CA10582427.

ClinVar aggregate classification (germline): Uncertain significance. Review status: criteria provided, multiple submitters, no conflicts (2 of 4 stars). 7 submissions from 7 submitters: Uncertain significance (6). 1 of the submissions does not count toward it. Last evaluated 2025-11-10.

Conditions:
Mitochondrial complex II deficiency, nuclear type 1. Also called: SUCCINATE CoQ REDUCTASE DEFICIENCY. Identifiers: Orphanet 3208, MedGen C5700310, MONDO:0100294, OMIM 252011.
Pheochromocytoma/paraganglioma syndrome 5. Also called: Paragangliomas 5; SDHA-Related Hereditary Paraganglioma-Pheochromocytoma Syndrome. Identifiers: Orphanet 29072, MedGen C3279992, MONDO:0013602, OMIM 614165.
Dilated cardiomyopathy 1GG (CMD1GG). Identifiers: Orphanet 154, MedGen C3150898, MONDO:0013339, OMIM 613642.
Neurodegeneration with ataxia and late-onset optic atrophy. Identifiers: MedGen C5543254, MONDO:0031006, OMIM 619259.
Hereditary cancer-predisposing syndrome. Also called: Neoplastic Syndromes, Hereditary; Hereditary Cancer Syndrome; Tumor predisposition; Hereditary neoplastic syndrome. Identifiers: Orphanet 140162, MedGen C0027672, MeSH D009386, MONDO:0015356.

Allele frequency attached by ClinVar (database versions not stated): gnomAD exomes 0.00001.

Submissions (7):

Ambry Genetics
Classification: Uncertain significance for Hereditary cancer-predisposing syndrome. Last evaluated: 2025-11-10. Review status: criteria provided, single submitter. Criteria: Ambry Variant Classification Scheme 2023. Collection method: clinical testing. Allele origin: germline.
Comment: The p.P399L variant (also known as c.1196C>T), located in coding exon 9 of the SDHA gene, results from a C to T substitution at nucleotide position 1196. The proline at codon 399 is replaced by leucine, an amino acid with similar properties. This amino acid position is highly conserved in available vertebrate species. In addition, this alteration is predicted to be deleterious by in silico analysis. Since supporting evidence is limited at this time, the clinical significance of this alteration remains unclear.

Labcorp Genetics (formerly Invitae), Labcorp
Classification: Uncertain significance for Pheochromocytoma/paraganglioma syndrome 5; Mitochondrial complex II deficiency, nuclear type 1. Last evaluated: 2025-07-29. Review status: criteria provided, single submitter. Criteria: Invitae Variant Classification Sherloc (09022015). Collection method: clinical testing. Allele origin: germline.
Comment: This sequence change replaces proline, which is neutral and non-polar, with leucine, which is neutral and non-polar, at codon 399 of the SDHA protein (p.Pro399Leu). This variant is present in population databases (no rsID available, gnomAD 0.004%). This variant has not been reported in the literature in individuals affected with SDHA-related conditions. ClinVar contains an entry for this variant (Variation ID: 239638). Invitae Evidence Modeling of protein sequence and biophysical properties (such as structural, functional, and spatial information, amino acid conservation, physicochemical variation, residue mobility, and thermodynamic stability) has been performed for this missense variant. However, the output from this modeling did not meet the statistical confidence thresholds required to predict the impact of this variant on SDHA protein function. In summary, the available evidence is currently insufficient to determine the role of this variant in disease. Therefore, it has been classified as a Variant of Uncertain Significance.

Blueprint Genetics
Classification: Uncertain significance. Last evaluated: 2024-09-12. Review status: criteria provided, single submitter. Criteria: ACMG Guidelines, 2015. Collection method: clinical testing. Allele origin: germline.

Fulgent Genetics
Classification: Uncertain significance for Mitochondrial complex II deficiency, nuclear type 1; Dilated cardiomyopathy 1GG; Pheochromocytoma/paraganglioma syndrome 5; Neurodegeneration with ataxia and late-onset optic atrophy. Last evaluated: 2024-06-19. Review status: criteria provided, single submitter. Criteria: ACMG Guidelines, 2015. Collection method: clinical testing. Allele origin: germline.

Quest Diagnostics Nichols Institute San Juan Capistrano
Classification: Uncertain significance. Last evaluated: 2024-03-14. Review status: criteria provided, single submitter. Criteria: Quest Diagnostics criteria. Collection method: clinical testing. Allele origin: unknown.
Comment: The SDHA c.1196C>T (p.Pro399Leu) variant has not been reported in individuals with SDHA-related conditions in the published literature. The frequency of this variant in the general population, 0.000008 (2/251446 chromosomes (Genome Aggregation Database)), is uninformative in the assessment of its pathogenicity. Analysis of this variant using bioinformatics tools for the prediction of the effect of amino acid changes on protein structure and function yielded predictions that this variant is damaging. Based on the available information, we are unable to determine the clinical significance of this variant.

Myriad Genetics, Inc.
Classification: Uncertain significance for Pheochromocytoma/paraganglioma syndrome 5. Last evaluated: 2023-04-21. Review status: criteria provided, single submitter. Criteria: Myriad Autosomal Dominant, Autosomal Recessive and X-Linked Classification Criteria (2023). Collection method: clinical testing. Allele origin: unknown.
Comment: This variant is classified as a variant of uncertain significance as there is insufficient evidence to determine its impact on protein function and/or cancer risk.

Counsyl
Classification: Uncertain significance for Pheochromocytoma/paraganglioma syndrome 5. Last evaluated: 2018-04-25. Review status: no assertion criteria provided. Collection method: clinical testing. Allele origin: unknown. Not counted in ClinVar's aggregate classification.